The following is an entry in ClinVar:

NM_003002.4(SDHD):c.358T>G (p.Leu120Val)

Gene: SDHD (succinate dehydrogenase complex subunit D; plus strand). Cytogenetic location: 11q23.1.
Variant type: single nucleotide variant.
Coding change: c.358T>G on transcript NM_003002.4 (MANE Select); coding-DNA position 358, T replaced by G.
Protein change: p.Leu120Val; replaces leucine 120 with valine.
Molecular consequence: missense variant. On other transcripts: synonymous variant (1), 3 prime UTR variant (1), non-coding transcript variant (1).
Genome position (GRCh38, 1-based): chr11:112,094,848, T>G. VCF-style: chr11-112094848-T-G. GRCh37 (hg19) VCF-style: chr11-111965572-T-G.
Other names: c.213T>G, p.Pro71= (NM_001276503.2); c.241T>G, p.Leu81Val (NM_001276504.2); c.*56T>G (NM_001276506.2); short protein forms L120V, L81V.
Identifiers: ClinVar variation 3438804 (VCV003438804.1).
Genomic context (GRCh38, chr11:112,094,848, plus strand): 5'-TTTTTCTTTTTCTTTAGGGGCCTTGGACAAGTTGTTACTGACTATGTTCATGGGGATGCC[T>G]TGCAGAAAGCTGCCAAGGCAGGGCTTTTGGCACTTTCAGCTTTAACCTTTGCTGGGCTTT-3'
Protein context (NP_002993.1, residues 110-130): VVTDYVHGDA[Leu120Val]QKAAKAGLLA

ClinVar aggregate classification (germline): Uncertain significance (1 of 4 stars; one submission).

Conditions:
Hereditary cancer-predisposing syndrome. Also called: Tumor predisposition; Neoplastic Syndromes, Hereditary; Hereditary neoplastic syndrome; Hereditary Cancer Syndrome. Identifiers: Orphanet 140162, MedGen C0027672, MeSH D009386, MONDO:0015356.

Submission:

Ambry Genetics
Classification: Uncertain significance for Hereditary cancer-predisposing syndrome. Last evaluated: 2024-08-16. Review status: criteria provided, single submitter. Criteria: Ambry Variant Classification Scheme 2023. Collection method: clinical testing. Allele origin: germline.
Comment: The p.L120V variant (also known as c.358T>G), located in coding exon 4 of the SDHD gene, results from a T to G substitution at nucleotide position 358. The leucine at codon 120 is replaced by valine, an amino acid with highly similar properties. This amino acid position is conserved. In addition, the in silico prediction for this alteration is inconclusive. Based on the available evidence, the clinical significance of this variant remains unclear.